The following is an entry in ClinVar:

NM_001077653.2(TBX20):c.350G>A (p.Gly117Asp)

Gene: TBX20 (T-box transcription factor 20; minus strand). Cytogenetic location: 7p14.2.
Variant type: single nucleotide variant.
Coding change: c.350G>A on transcript NM_001077653.2 (MANE Select); coding-DNA position 350, G replaced by A.
Protein change: p.Gly117Asp; replaces glycine 117 with aspartic acid.
Molecular consequence: missense variant.
Genome position (GRCh38, 1-based): chr7:35,249,981, C>T on the plus strand (G>A on the coding strand, the complement: TBX20 is on the minus strand). VCF-style: chr7-35249981-C-T. GRCh37 (hg19) VCF-style: chr7-35289593-C-T.
Other names: c.350G>A, p.Gly117Asp (NM_001166220.1); short protein forms G117D.
Identifiers: ClinVar variation 1677410 (VCV001677410.6), dbSNP rs138597530, ClinGen allele CA367264944.

ClinVar aggregate classification (germline): Uncertain significance. Review status: criteria provided, multiple submitters, no conflicts (2 of 4 stars). 2 submissions from 2 submitters: Uncertain significance (2). Last evaluated 2023-01-10.

gnomAD v4.1: 14 of 1,610,020 alleles (0.00087%); highest among the groups gnomAD compares: African/African-American, 0.0013%; no homozygotes.

Submissions (2):

Labcorp Genetics (formerly Invitae), Labcorp
Classification: Uncertain significance. Last evaluated: 2023-01-10. Review status: criteria provided, single submitter. Criteria: Invitae Variant Classification Sherloc (09022015). Collection method: clinical testing. Allele origin: germline.
Comment: In summary, the available evidence is currently insufficient to determine the role of this variant in disease. Therefore, it has been classified as a Variant of Uncertain Significance. Advanced modeling of protein sequence and biophysical properties (such as structural, functional, and spatial information, amino acid conservation, physicochemical variation, residue mobility, and thermodynamic stability) performed at Invitae indicates that this missense variant is expected to disrupt TBX20 protein function. ClinVar contains an entry for this variant (Variation ID: 1677410). This variant has not been reported in the literature in individuals affected with TBX20-related conditions. This variant is not present in population databases (gnomAD no frequency). This sequence change replaces glycine, which is neutral and non-polar, with aspartic acid, which is acidic and polar, at codon 117 of the TBX20 protein (p.Gly117Asp).

AiLife Diagnostics
Classification: Uncertain significance. Last evaluated: 2022-02-21. Review status: criteria provided, single submitter. Criteria: ACMG Guidelines, 2015. Collection method: clinical testing. Allele origin: germline. Affected: yes. Observed: 3 variant alleles.